The following is an entry in ClinVar:

ClinVar aggregate classification (germline): Uncertain significance (1 of 4 stars; one submission).

Allele frequency attached by ClinVar (database versions not stated): gnomAD exomes below 0.00001; TOPMed 0.00001.
gnomAD v4.1: 5 of 1,613,862 alleles (0.00031%); highest among the groups gnomAD compares: Non-Finnish European, 0.00034%; no homozygotes.

Submission:

Labcorp Genetics (formerly Invitae), Labcorp
Classification: Uncertain significance. Last evaluated: 2022-10-27. Review status: criteria provided, single submitter. Criteria: Invitae Variant Classification Sherloc (09022015). Collection method: clinical testing. Allele origin: germline.
Comment: This variant has not been reported in the literature in individuals affected with ERBB4-related conditions. In summary, the available evidence is currently insufficient to determine the role of this variant in disease. Therefore, it has been classified as a Variant of Uncertain Significance. Variants that disrupt the consensus splice site are a relatively common cause of aberrant splicing (PMID: 17576681, 9536098). Algorithms developed to predict the effect of sequence changes on RNA splicing suggest that this variant is not likely to affect RNA splicing. This variant is present in population databases (no rsID available, gnomAD 0.0009%). This sequence change falls in intron 17 of the ERBB4 gene. It does not directly change the encoded amino acid sequence of the ERBB4 protein. It affects a nucleotide within the consensus splice site.

Literature cited by the submitters: PubMed 17576681; PubMed 9536098.

NM_005235.3(ERBB4):c.2080-3C>T

Gene: ERBB4 (erb-b2 receptor tyrosine kinase 4; minus strand). Cytogenetic location: 2q34.
Variant type: single nucleotide variant.
Coding change: c.2080-3C>T on transcript NM_005235.3 (MANE Select); 3 bases into the intron before coding-DNA position 2080, C replaced by T.
Molecular consequence: intron variant.
Genome position (GRCh38, 1-based): chr2:211,624,047, G>A on the plus strand (C>T on the coding strand, the complement: ERBB4 is on the minus strand). VCF-style: chr2-211624047-G-A. GRCh37 (hg19) VCF-style: chr2-212488772-G-A.
Other names: c.2080-3C>T (NM_001042599.2); c.2050-3C>T (NM_001439006.1, NM_001439005.1).
Identifiers: ClinVar variation 1913111 (VCV001913111.5), dbSNP rs897071492, ClinGen allele CA65166604.